The following is an entry in ClinVar:

ClinVar aggregate classification (germline): Conflicting classifications of pathogenicity. Review status: criteria provided, conflicting classifications (1 of 4 stars). 6 submissions from 6 submitters: Uncertain significance (1); Likely benign (4). 1 of the submissions does not count toward it. Last evaluated 2026-01-26.

Conditions:
Cardiovascular phenotype. Identifiers: MedGen CN230736.
ABCG5-related disorder. Also called: ABCG5-related condition.
Sitosterolemia (STSL). Also called: PHYTOSTEROLEMIA. Identifiers: Orphanet 2882, MedGen C0342907, MONDO:0008863.

Allele frequency attached by ClinVar (database versions not stated): gnomAD exomes 0.00006 and 0.00014; gnomAD 0.00060 and 0.00065; 1000 Genomes Project 30x 0.00047; TOPMed 0.00068; ExAC 0.00012; 1000 Genomes Project 0.00040; ESP Exome Variant Server 0.00046.
gnomAD v4.1: 191 of 1,613,970 alleles (0.012%); highest among the groups gnomAD compares: African/African-American, 0.22%; no homozygotes.

Submissions (6):

Labcorp Genetics (formerly Invitae), Labcorp
Classification: Likely benign for Sitosterolemia. Last evaluated: 2026-01-26. Review status: criteria provided, single submitter. Criteria: Invitae Variant Classification Sherloc (09022015). Collection method: clinical testing. Allele origin: germline.

Mayo Clinic Laboratories, Mayo Clinic
Classification: Likely benign. Last evaluated: 2024-12-06. Review status: criteria provided, single submitter. Criteria: ACMG Guidelines, 2015. Collection method: clinical testing. Allele origin: germline. Observed: 1 variant allele.
Comment: BP4, BP7

Blueprint Genetics
Classification: Likely benign. Last evaluated: 2024-11-05. Review status: criteria provided, single submitter. Criteria: ACMG Guidelines, 2015. Collection method: clinical testing. Allele origin: germline.

Ambry Genetics
Classification: Likely benign for Cardiovascular phenotype. Last evaluated: 2019-08-13. Review status: criteria provided, single submitter. Criteria: Ambry Variant Classification Scheme 2023. Collection method: clinical testing. Allele origin: germline.

Eurofins Ntd Llc (ga)
Classification: Uncertain significance. Last evaluated: 2017-03-30. Review status: criteria provided, single submitter. Criteria: EGL Classification Definitions 2015. Collection method: clinical testing. Allele origin: germline. Observed: 2 variant alleles, 2 heterozygotes.

PreventionGenetics, part of Exact Sciences
Classification: Likely benign for ABCG5-related condition. Last evaluated: 2020-04-10. Review status: no assertion criteria provided. Collection method: clinical testing. Allele origin: germline. Not counted in ClinVar's aggregate classification.
Comment: This variant is classified as likely benign based on ACMG/AMP sequence variant interpretation guidelines (Richards et al. 2015 PMID: 25741868, with internal and published modifications).

NM_022436.3(ABCG5):c.510C>T (p.Ala170=)

Genes: ABCG5 (ATP binding cassette subfamily G member 5; minus strand), DYNC2LI1 (dynein cytoplasmic 2 light intermediate chain 1; plus strand). Cytogenetic location: 2p21.
Variant type: single nucleotide variant.
Coding change: c.510C>T on transcript NM_022436.3 (MANE Select); coding-DNA position 510, C replaced by T.
Protein change: p.Ala170=; no amino-acid change (alanine 170 retained).
Molecular consequence: synonymous variant. On other transcripts: 3 prime UTR variant (2).
Genome position (GRCh38, 1-based): chr2:43,828,107, G>A on the plus strand (C>T on the coding strand, the complement: ABCG5 is on the minus strand). VCF-style: chr2-43828107-G-A. GRCh37 (hg19) VCF-style: chr2-44055246-G-A.
Other names: p.Ala170=; c.*737G>A (NM_001348912.2, NM_001348913.2).
Identifiers: ClinVar variation 501163 (VCV000501163.19), dbSNP rs147061424, ClinGen allele CA1636624.
Genomic context (GRCh38, chr2:43,828,107, plus strand): 5'-CAAGCTGTAGTTGCCAATCAGTCGGTCTGCCACATGGCTCAGACTCAGCTCTGCCATGAC[G>A]GCCTCCACCTGCAGGAGACACAAATTACAGGAAGGCTGGGAGTCTCTGTGGCTGCTATTT-3'
Protein context (NP_071881.1, residues 160-180): NPGSFQKKVE[Ala170=]VMAELSLSHV